The following is an entry in ClinVar:

NM_020856.4(TSHZ3):c.285C>T (p.Asn95=)

Gene: TSHZ3 (teashirt zinc finger homeobox 3; minus strand). Cytogenetic location: 19q12.
Variant type: single nucleotide variant.
Coding change: c.285C>T on transcript NM_020856.4 (MANE Select); coding-DNA position 285, C replaced by T.
Protein change: p.Asn95=; no amino-acid change (asparagine 95 retained).
Molecular consequence: synonymous variant.
Genome position (GRCh38, 1-based): chr19:31,279,508, G>A on the plus strand (C>T on the coding strand, the complement: TSHZ3 is on the minus strand). VCF-style: chr19-31279508-G-A. GRCh37 (hg19) VCF-style: chr19-31770414-G-A.
Identifiers: ClinVar variation 3047817 (VCV003047817.2), dbSNP rs747891173, ClinGen allele CA9354506.

ClinVar aggregate classification (germline): Likely benign (0 of 4 stars; one submission).

Conditions:
TSHZ3-related disorder. Also called: TSHZ3-related condition.

Allele frequency attached by ClinVar (database versions not stated): TOPMed 0.00001; gnomAD exomes 0.00002; ExAC 0.00004.
gnomAD v4.1: 28 of 1,613,312 alleles (0.0017%); highest among the groups gnomAD compares: Non-Finnish European, 0.0022%; no homozygotes.

Submission:

PreventionGenetics, part of Exact Sciences
Classification: Likely benign for TSHZ3-related condition. Last evaluated: 2019-04-25. Review status: no assertion criteria provided. Collection method: clinical testing. Allele origin: germline.
Comment: This variant is classified as likely benign based on ACMG/AMP sequence variant interpretation guidelines (Richards et al. 2015 PMID: 25741868, with internal and published modifications).